The following is an entry in ClinVar:

NM_152296.5(ATP1A3):c.3013+1G>A

Gene: ATP1A3 (ATPase Na+/K+ transporting subunit alpha 3; minus strand). Cytogenetic location: 19q13.2.
Variant type: single nucleotide variant.
Coding change: c.3013+1G>A on transcript NM_152296.5 (MANE Select); the canonical splice donor site of the intron after coding-DNA position 3013, G replaced by A.
Molecular consequence: splice donor variant.
Genome position (GRCh38, 1-based): chr19:41,967,248, C>T on the plus strand (G>A on the coding strand, the complement: ATP1A3 is on the minus strand). VCF-style: chr19-41967248-C-T. GRCh37 (hg19) VCF-style: chr19-42471400-C-T.
Other names: c.3052+1G>A (NM_001256214.2); c.3046+1G>A (NM_001256213.2).
Identifiers: ClinVar variation 1059801 (VCV001059801.9), dbSNP rs2145941195, ClinGen allele CA406034927.

ClinVar aggregate classification (germline): Conflicting classifications of pathogenicity. Review status: criteria provided, conflicting classifications (1 of 4 stars). 2 submissions from 2 submitters: Pathogenic (1); Uncertain significance (1). Last evaluated 2025-03-01.

Conditions:
Dystonia 12 (DYT12). Also called: DYT-ATP1A3; Rapid-Onset Dystonia-Parkinsonism (RDP). Identifiers: Orphanet 71517, MedGen C1868681, MONDO:0007496, OMIM 128235.

Submissions (2):

CeGaT Center for Human Genetics Tuebingen
Classification: Uncertain significance. Last evaluated: 2025-03-01. Review status: criteria provided, single submitter. Criteria: CeGaT Center For Human Genetics Tuebingen Variant Classification Criteria Version 2. Collection method: clinical testing. Allele origin: germline. Affected: yes. Observed: 1 variant allele.
Comment: ATP1A3: PM2, PVS1:Moderate

Labcorp Genetics (formerly Invitae), Labcorp
Classification: Pathogenic for Dystonia 12. Last evaluated: 2021-12-06. Review status: criteria provided, single submitter. Criteria: Invitae Variant Classification Sherloc (09022015). Collection method: clinical testing. Allele origin: germline.
Comment: This sequence change affects a donor splice site in intron 22 of the ATP1A3 gene. While this variant is not anticipated to result in nonsense mediated decay, it likely alters RNA splicing and results in a disrupted protein product. This variant is not present in population databases (gnomAD no frequency). Disruption of this splice site has been observed in individual(s) with clinical features of ATP1A3-related conditions (Invitae). In at least one individual the variant was observed to be de novo. ClinVar contains an entry for this variant (Variation ID: 1059801). Variants that disrupt the consensus splice site are a relatively common cause of aberrant splicing (PMID: 17576681, 9536098). Algorithms developed to predict the effect of sequence changes on RNA splicing suggest that this variant may disrupt the consensus splice site. For these reasons, this variant has been classified as Pathogenic.

Literature cited by the submitters: PubMed 17576681 (cited by Labcorp Genetics (formerly Invitae), Labcorp); PubMed 9536098 (cited by Labcorp Genetics (formerly Invitae), Labcorp).